The following is an entry in ClinVar:

NM_000038.6(APC):c.5464G>A (p.Val1822Ile)

Gene: APC (APC regulator of Wnt signaling pathway; plus strand). Cytogenetic location: 5q22.2.
Variant type: single nucleotide variant.
Coding change: c.5464G>A on transcript NM_000038.6 (MANE Select); coding-DNA position 5464, G replaced by A.
Protein change: p.Val1822Ile; replaces valine 1822 with isoleucine.
Molecular consequence: missense variant. On other transcripts: non-coding transcript variant (2).
Genome position (GRCh38, 1-based): chr5:112,841,058, G>A. VCF-style: chr5-112841058-G-A. GRCh37 (hg19) VCF-style: chr5-112176755-G-A.
Other names: c.5464G>A, p.Val1822Ile (NM_001127510.3, NM_001354895.2, NM_001407450.1); c.5410G>A, p.Val1804Ile (NM_001127511.3); c.5518G>A, p.Val1840Ile (NM_001354896.2, NM_001407447.1, NM_001407448.1 and 1 more transcripts); c.5494G>A, p.Val1832Ile (NM_001354897.2); c.5389G>A, p.Val1797Ile (NM_001354898.2); c.5380G>A, p.Val1794Ile (NM_001354899.2); c.5341G>A, p.Val1781Ile (NM_001354900.2); c.5287G>A, p.Val1763Ile (NM_001354901.2, NM_001407453.1); and 11 more; short protein forms V1662I, V1731I, V1794I, V1763I, V1832I, V1840I, V1693I, V1696I.
Identifiers: ClinVar variation 3411135 (VCV003411135.1).

ClinVar aggregate classification (germline): Uncertain significance (1 of 4 stars; one submission).

Conditions:
Hereditary cancer-predisposing syndrome. Also called: Neoplastic Syndromes, Hereditary; Tumor predisposition; Hereditary Cancer Syndrome; Hereditary neoplastic syndrome. Identifiers: Orphanet 140162, MedGen C0027672, MeSH D009386, MONDO:0015356.

Submission:

Ambry Genetics
Classification: Uncertain significance for Hereditary cancer-predisposing syndrome. Last evaluated: 2024-09-16. Review status: criteria provided, single submitter. Criteria: Ambry Variant Classification Scheme 2023. Collection method: clinical testing. Allele origin: germline.
Comment: The p.V1822I variant (also known as c.5464G>A), located in coding exon 15 of the APC gene, results from a G to A substitution at nucleotide position 5464. The valine at codon 1822 is replaced by isoleucine, an amino acid with highly similar properties. This amino acid position is conserved. In addition, in silico predictors for this gene do not accurately predict pathogenicity. Based on the available evidence, the clinical significance of this variant remains unclear.